The following is an entry in ClinVar:

ClinVar aggregate classification (germline): Uncertain significance (1 of 4 stars; one submission).

Allele frequency attached by ClinVar (database versions not stated): gnomAD exomes below 0.00001.
gnomAD v4.1: 1 of 1,608,318 alleles (0.000062%); highest among the groups gnomAD compares: Non-Finnish European, 0.000085%; no homozygotes.

Submission:

Labcorp Genetics (formerly Invitae), Labcorp
Classification: Uncertain significance. Last evaluated: 2022-03-29. Review status: criteria provided, single submitter. Criteria: Invitae Variant Classification Sherloc (09022015). Collection method: clinical testing. Allele origin: germline.
Comment: This variant is not present in population databases (gnomAD no frequency). In summary, the available evidence is currently insufficient to determine the role of this variant in disease. Therefore, it has been classified as a Variant of Uncertain Significance. Algorithms developed to predict the effect of missense changes on protein structure and function are either unavailable or do not agree on the potential impact of this missense change (SIFT: "Deleterious"; PolyPhen-2: "Probably Damaging"; Align-GVGD: "Class C0"). This variant has not been reported in the literature in individuals affected with MME-related conditions. This sequence change replaces phenylalanine, which is neutral and non-polar, with leucine, which is neutral and non-polar, at codon 545 of the MME protein (p.Phe545Leu).

NM_007289.4(MME):c.1635T>A (p.Phe545Leu)

Gene: MME (membrane metalloendopeptidase; plus strand). Cytogenetic location: 3q25.2.
Variant type: single nucleotide variant.
Coding change: c.1635T>A on transcript NM_007289.4 (MANE Select); coding-DNA position 1635, T replaced by A.
Protein change: p.Phe545Leu; replaces phenylalanine 545 with leucine.
Molecular consequence: missense variant.
Genome position (GRCh38, 1-based): chr3:155,160,423, T>A. VCF-style: chr3-155160423-T-A. GRCh37 (hg19) VCF-style: chr3-154878212-T-A.
Other names: c.1635T>A, p.Phe545Leu (NM_000902.5, NM_001354642.2, NM_001354643.1 and 2 more transcripts); short protein forms F545L.
Identifiers: ClinVar variation 2118717 (VCV002118717.4), dbSNP rs1223528672, ClinGen allele CA355218022.
Genomic context (GRCh38, chr3:155,160,423, plus strand): 5'-TGTAAAGAGTTCTTATGTTTTCTACAGGTGGATAAGTGGAGCAGCTGTAGTCAATGCATT[T>A]TACTCTTCAGGAAGAAATCAGATAGGTAAGGTGTATTCTTAAATAATTATTTAATATTTC-3'
Protein context (NP_009220.2, residues 535-555): WISGAAVVNA[Phe545Leu]YSSGRNQIVF